The following is an entry in ClinVar:

NM_001042750.2(STAG2):c.830A>G (p.Asn277Ser)

Gene: STAG2 (STAG2 cohesin complex component; plus strand). Cytogenetic location: Xq25.
Variant type: single nucleotide variant.
Coding change: c.830A>G on transcript NM_001042750.2 (MANE Select); coding-DNA position 830, A replaced by G.
Protein change: p.Asn277Ser; replaces asparagine 277 with serine.
Molecular consequence: missense variant.
Genome position (GRCh38, 1-based): chrX:124,049,015, A>G. VCF-style: chrX-124049015-A-G. GRCh37 (hg19) VCF-style: chrX-123182865-A-G.
Other names: c.830A>G, p.Asn277Ser (NM_001042749.2, NM_001042751.2, NM_001282418.2 and 13 more transcripts); short protein forms N277S.
Identifiers: ClinVar variation 3663157 (VCV003663157.2).

ClinVar aggregate classification (germline): Uncertain significance (1 of 4 stars; one submission).

Submission:

Labcorp Genetics (formerly Invitae), Labcorp
Classification: Uncertain significance. Last evaluated: 2024-08-21. Review status: criteria provided, single submitter. Criteria: Invitae Variant Classification Sherloc (09022015). Collection method: clinical testing. Allele origin: germline.
Comment: This sequence change replaces asparagine, which is neutral and polar, with serine, which is neutral and polar, at codon 277 of the STAG2 protein (p.Asn277Ser). This variant is not present in population databases (gnomAD no frequency). This variant has not been reported in the literature in individuals affected with STAG2-related conditions. Invitae Evidence Modeling of protein sequence and biophysical properties (such as structural, functional, and spatial information, amino acid conservation, physicochemical variation, residue mobility, and thermodynamic stability) indicates that this missense variant is not expected to disrupt STAG2 protein function with a negative predictive value of 80%. In summary, the available evidence is currently insufficient to determine the role of this variant in disease. Therefore, it has been classified as a Variant of Uncertain Significance.